The following is an entry in ClinVar:

ClinVar aggregate classification (germline): Benign. Review status: criteria provided, multiple submitters, no conflicts (2 of 4 stars). 2 submissions from 2 submitters: Benign (2). Last evaluated 2018-01-13.

Conditions:
Weill-Marchesani 4 syndrome, recessive. Also called: Weill-Marchesani syndrome 4. Identifiers: Orphanet 363992, MedGen C2750787, MONDO:0013176, OMIM 613195.

Allele frequency attached by ClinVar (database versions not stated): gnomAD exomes 0.54315; 1000 Genomes Project 0.58367; 1000 Genomes Project 30x 0.58932; TOPMed 0.61176; gnomAD 0.64018.
gnomAD v4.1: 116,415 of 191,490 alleles (61%); highest among the groups gnomAD compares: Non-Finnish European, 62%; 35,966 homozygotes.

Submissions (2):

Illumina Laboratory Services, Illumina
Classification: Benign for Weill-Marchesani 4 syndrome, recessive. Last evaluated: 2018-01-13. Review status: criteria provided, single submitter. Criteria: ICSL Variant Classification Criteria 13 December 2019. Collection method: clinical testing. Allele origin: germline.
Comment: This variant was observed in the ICSL laboratory as part of a predisposition screen in an ostensibly healthy population. It had not been previously curated by ICSL or reported in the Human Gene Mutation Database (HGMD: prior to June 1st, 2018), and was therefore a candidate for classification through an automated scoring system. Utilizing variant allele frequency, disease prevalence and penetrance estimates, and inheritance mode, an automated score was calculated to assess if this variant is too frequent to cause the disease. Based on the score and internal cut-off values, a variant classified as benign is not then subjected to further curation. The score for this variant resulted in a classification of benign for this disease.

Breakthrough Genomics
Classification: Benign. Review status: criteria provided, single submitter. Criteria: ACMG Guidelines, 2015. Collection method: not provided. Allele origin: germline. Inheritance: Autosomal recessive inheritance. Affected: yes.

NM_139057.4(ADAMTS17):c.*544G>A

Gene: ADAMTS17 (ADAM metallopeptidase with thrombospondin type 1 motif 17; minus strand). Cytogenetic location: 15q26.3.
Variant type: single nucleotide variant.
Coding change: c.*544G>A on transcript NM_139057.4 (MANE Select); 544 bases downstream of the stop codon, G replaced by A.
Molecular consequence: 3 prime UTR variant.
Genome position (GRCh38, 1-based): chr15:99,973,858, C>T on the plus strand (G>A on the coding strand, the complement: ADAMTS17 is on the minus strand). VCF-style: chr15-99973858-C-T. GRCh37 (hg19) VCF-style: chr15-100514063-C-T.
Identifiers: ClinVar variation 315222 (VCV000315222.6), dbSNP rs2581348, ClinGen allele CA10647669.
Genomic context (GRCh38, chr15:99,973,858, plus strand): 5'-ACTTCCAAGGCAACACCTAGGATTTAGAGACTATGTTCTCAGAGACGGGCATGGAGGCAA[C>T]GTCCTGGTTCTCATGTGGTCAAGAAGGTAGATGGAGAGAAACGTGTGCTAAGCAGCCCGG-3'